The following is an entry in ClinVar:

ClinVar aggregate classification (germline): Uncertain significance (0 of 4 stars; one submission).

Conditions:
SPEN-related disorder. Also called: SPEN-related condition.

Submission:

PreventionGenetics, part of Exact Sciences
Classification: Uncertain significance for SPEN-related condition. Last evaluated: 2024-09-10. Review status: no assertion criteria provided. Collection method: clinical testing. Allele origin: germline.
Comment: The SPEN c.9953C>T variant is predicted to result in the amino acid substitution p.Ala3318Val. To our knowledge, this variant has not been reported in the literature or in a large population database, indicating this variant is rare. At this time, the clinical significance of this variant is uncertain due to the absence of conclusive functional and genetic evidence.

NM_015001.3(SPEN):c.9953C>T (p.Ala3318Val)

Gene: SPEN (spen family transcriptional repressor; plus strand). Cytogenetic location: 1p36.13.
Variant type: single nucleotide variant.
Coding change: c.9953C>T on transcript NM_015001.3 (MANE Select); coding-DNA position 9953, C replaced by T.
Protein change: p.Ala3318Val; replaces alanine 3318 with valine.
Molecular consequence: missense variant.
Genome position (GRCh38, 1-based): chr1:15,936,193, C>T. VCF-style: chr1-15936193-C-T. GRCh37 (hg19) VCF-style: chr1-16262688-C-T.
Other names: short protein forms A3318V.
Identifiers: ClinVar variation 3347561 (VCV003347561.1).